The following is an entry in ClinVar:

ClinVar aggregate classification (germline): Benign. Review status: criteria provided, multiple submitters, no conflicts (2 of 4 stars). 5 submissions from 5 submitters: Benign (5). Last evaluated 2026-02-04.

Allele frequency attached by ClinVar (database versions not stated): ESP Exome Variant Server 0.02175; gnomAD exomes 0.03894; 1000 Genomes Project 30x 0.05465; gnomAD 0.03295; 1000 Genomes Project 0.05791; TOPMed 0.03609; ExAC 0.04156.
gnomAD v4.1: 48,502 of 1,612,718 alleles (3%); highest among the groups gnomAD compares: East Asian, 21%; 1,561 homozygotes.

Submissions (5):

Labcorp Genetics (formerly Invitae), Labcorp
Classification: Benign. Last evaluated: 2026-02-04. Review status: criteria provided, single submitter. Criteria: Invitae Variant Classification Sherloc (09022015). Collection method: clinical testing. Allele origin: germline.

Athena Diagnostics
Classification: Benign. Last evaluated: 2018-09-12. Review status: criteria provided, single submitter. Criteria: Athena Diagnostics Criteria. Collection method: clinical testing. Allele origin: germline.

GeneDx
Classification: Benign. Last evaluated: 2017-05-09. Review status: criteria provided, single submitter. Criteria: GeneDx Variant Classification (06012015). Collection method: clinical testing. Allele origin: germline. Affected: yes.
Comment: This variant is considered likely benign or benign based on one or more of the following criteria: it is a conservative change, it occurs at a poorly conserved position in the protein, it is predicted to be benign by multiple in silico algorithms, and/or has population frequency not consistent with disease.

Laboratory for Molecular Medicine, Mass General Brigham Personalized Medicine
Classification: Benign. Last evaluated: 2014-11-24. Review status: criteria provided, single submitter. Criteria: LMM Criteria. Collection method: clinical testing. Allele origin: germline. Observed: 58 variant alleles.
Comment: Cys273Cys in exon 5 of SYNE4: This variant is not expected to have clinical sign ificance because it does not alter an amino acid residue and is not located with in the splice consensus sequence. It has been identified in 2.6% (211/8228) of E uropean American chromosomes from a broad population by the NHLBI Exome Sequenci ng Project (dbSNP rs2285423).

Breakthrough Genomics
Classification: Benign. Review status: criteria provided, single submitter. Criteria: ACMG Guidelines, 2015. Collection method: not provided. Allele origin: germline. Inheritance: Autosomal recessive inheritance. Affected: yes.

NM_001039876.3(SYNE4):c.819T>C (p.Cys273=)

Gene: SYNE4 (spectrin repeat containing nuclear envelope family member 4; minus strand). Cytogenetic location: 19q13.12.
Variant type: single nucleotide variant.
Coding change: c.819T>C on transcript NM_001039876.3 (MANE Select); coding-DNA position 819, T replaced by C.
Protein change: p.Cys273=; no amino-acid change (cysteine 273 retained).
Molecular consequence: synonymous variant.
Genome position (GRCh38, 1-based): chr19:36,006,471, A>G on the plus strand (T>C on the coding strand, the complement: SYNE4 is on the minus strand). VCF-style: chr19-36006471-A-G. GRCh37 (hg19) VCF-style: chr19-36497373-A-G.
Other names: c.480T>C, p.Cys160= (NM_001297735.3).
Identifiers: ClinVar variation 227090 (VCV000227090.15), dbSNP rs2285423, ClinGen allele CA9393844.